The following is an entry in ClinVar:

ClinVar aggregate classification (germline): Conflicting classifications of pathogenicity. Review status: criteria provided, conflicting classifications (1 of 4 stars). 2 submissions from 2 submitters: Uncertain significance (1); Likely benign (1). Last evaluated 2022-05-27.

Conditions:
Severe combined immunodeficiency due to DNA-PKcs deficiency. Also called: IMMUNODEFICIENCY 26 WITH NEUROLOGIC ABNORMALITIES; Immunodeficiency 26 with or without neurologic abnormalities. Identifiers: Orphanet 317425, MedGen C4014833, MONDO:0014423, OMIM 615966.

Allele frequency attached by ClinVar (database versions not stated): gnomAD 0.00001; gnomAD exomes 0.00001; TOPMed 0.00001; ExAC 0.00002.
gnomAD v4.1: 9 of 1,591,178 alleles (0.00057%); highest among the groups gnomAD compares: East Asian, 0.0022%; no homozygotes.

Submissions (2):

Labcorp Genetics (formerly Invitae), Labcorp
Classification: Uncertain significance for Severe combined immunodeficiency due to DNA-PKcs deficiency. Last evaluated: 2022-05-27. Review status: criteria provided, single submitter. Criteria: Invitae Variant Classification Sherloc (09022015). Collection method: clinical testing. Allele origin: germline.
Comment: This sequence change replaces alanine with threonine at codon 101 of the PRKDC protein (p.Ala101Thr). The alanine residue is weakly conserved and there is a small physicochemical difference between alanine and threonine. This variant is present in population databases (rs769242222, gnomAD 0.01%). In summary, the available evidence is currently insufficient to determine the role of this variant in disease. Therefore, it has been classified as a Variant of Uncertain Significance. Experimental studies and prediction algorithms are not available or were not evaluated, and the functional significance of this variant is currently unknown. This variant has not been reported in the literature in individuals affected with PRKDC-related conditions.

Ambry Genetics
Classification: Likely benign. Last evaluated: 2021-09-08. Review status: criteria provided, single submitter. Criteria: Ambry Variant Classification Scheme 2023. Collection method: clinical testing. Allele origin: germline.

NM_006904.7(PRKDC):c.301G>A (p.Ala101Thr)

Gene: PRKDC (protein kinase, DNA-activated, catalytic subunit; minus strand). Cytogenetic location: 8q11.21.
Variant type: single nucleotide variant.
Coding change: c.301G>A on transcript NM_006904.7 (MANE Select); coding-DNA position 301, G replaced by A.
Protein change: p.Ala101Thr; replaces alanine 101 with threonine.
Molecular consequence: missense variant.
Genome position (GRCh38, 1-based): chr8:47,957,194, C>T on the plus strand (G>A on the coding strand, the complement: PRKDC is on the minus strand). VCF-style: chr8-47957194-C-T. GRCh37 (hg19) VCF-style: chr8-48869754-C-T.
Other names: c.301G>A, p.Ala101Thr (NM_001081640.2); short protein forms A101T.
Identifiers: ClinVar variation 1509276 (VCV001509276.6), dbSNP rs769242222, ClinGen allele CA4742067.